The following is an entry in ClinVar:

ClinVar aggregate classification (germline): Uncertain significance (1 of 4 stars; one submission).

Conditions:
Inborn genetic diseases. Identifiers: MedGen C0950123, MeSH D030342.

Allele frequency attached by ClinVar (database versions not stated): ExAC 0.00001.
gnomAD v4.1: 1 of 1,613,080 alleles (0.000062%); highest among the groups gnomAD compares: South Asian, 0.0011%; no homozygotes.

Submission:

Ambry Genetics
Classification: Uncertain significance for Inborn genetic diseases. Last evaluated: 2023-09-13. Review status: criteria provided, single submitter. Criteria: Ambry Variant Classification Scheme 2023. Collection method: clinical testing. Allele origin: germline.
Comment: The p.S473R variant (also known as c.1419C>G) is located in coding exon 13 of the LRRK2 gene. The serine at codon 473 is replaced by arginine, an amino acid with dissimilar properties. This change occurs in the first base pair of coding exon 13. This amino acid position is conserved. In addition, this alteration is predicted to be tolerated by in silico analysis. Since supporting evidence is limited at this time, the clinical significance of this alteration remains unclear.

NM_198578.4(LRRK2):c.1419C>G (p.Ser473Arg)

Gene: LRRK2 (leucine rich repeat kinase 2; plus strand). Cytogenetic location: 12q12.
Variant type: single nucleotide variant.
Coding change: c.1419C>G on transcript NM_198578.4 (MANE Select); coding-DNA position 1419, C replaced by G.
Protein change: p.Ser473Arg; replaces serine 473 with arginine.
Molecular consequence: missense variant.
Genome position (GRCh38, 1-based): chr12:40,259,480, C>G. VCF-style: chr12-40259480-C-G. GRCh37 (hg19) VCF-style: chr12-40653282-C-G.
Other names: short protein forms S473R.
Identifiers: ClinVar variation 2587313 (VCV002587313.2), dbSNP rs751907041, ClinGen allele CA6513373.